The following is an entry in ClinVar:

NM_001243177.4(ALDOA):c.436C>T (p.Arg146Cys)

Genes: ALDOA (aldolase, fructose-bisphosphate A; plus strand), LOC112694756 (uncharaterized LOC112694756; plus strand). Cytogenetic location: 16p11.2.
Variant type: single nucleotide variant.
Coding change: c.436C>T on transcript NM_001243177.4 (MANE Select); coding-DNA position 436, C replaced by T.
Protein change: p.Arg146Cys; replaces arginine 146 with cysteine.
Molecular consequence: missense variant. On other transcripts: 3 prime UTR variant (3).
Genome position (GRCh38, 1-based): chr16:30,067,611, C>T. VCF-style: chr16-30067611-C-T. GRCh37 (hg19) VCF-style: chr16-30078932-C-T.
Other names: NM_000034.3:c.274C>T; c.*783C>T (NM_001365304.2, NM_001365305.2, NM_001365307.2); c.274C>T, p.Arg92Cys (NM_001127617.2, NM_184041.5, NM_184043.2); short protein forms R92C, R146C.
Identifiers: ClinVar variation 1433299 (VCV001433299.6), dbSNP rs776187312, ClinGen allele CA8000910.

ClinVar aggregate classification (germline): Uncertain significance. Review status: criteria provided, multiple submitters, no conflicts (2 of 4 stars). 2 submissions from 2 submitters: Uncertain significance (2). Last evaluated 2025-05-15.

Conditions:
HNSHA due to aldolase A deficiency (GSD12). Also called: Glycogen storage disease due to aldolase A deficiency; GLYCOGEN STORAGE DISEASE XII; GSD XII; RED CELL ALDOLASE DEFICIENCY. Identifiers: Orphanet 57, MedGen C0272066, MONDO:0012747, OMIM 611881.
Inborn genetic diseases. Identifiers: MedGen C0950123, MeSH D030342.

Allele frequency attached by ClinVar (database versions not stated): gnomAD 0.00001 and 0.00002; TOPMed 0.00002; gnomAD exomes 0.00003 and 0.00006; ExAC 0.00007.
gnomAD v4.1: 42 of 1,613,972 alleles (0.0026%); highest among the groups gnomAD compares: South Asian, 0.038%; 1 homozygote.

Submissions (2):

Ambry Genetics
Classification: Uncertain significance for Inborn genetic diseases. Last evaluated: 2025-05-15. Review status: criteria provided, single submitter. Criteria: Ambry Variant Classification Scheme 2023. Collection method: clinical testing. Allele origin: germline.

Labcorp Genetics (formerly Invitae), Labcorp
Classification: Uncertain significance for HNSHA due to aldolase A deficiency. Last evaluated: 2024-07-11. Review status: criteria provided, single submitter. Criteria: Invitae Variant Classification Sherloc (09022015). Collection method: clinical testing. Allele origin: germline.
Comment: This sequence change replaces arginine, which is basic and polar, with cysteine, which is neutral and slightly polar, at codon 92 of the ALDOA protein (p.Arg92Cys). This variant is present in population databases (rs776187312, gnomAD 0.04%). This variant has not been reported in the literature in individuals affected with ALDOA-related conditions. ClinVar contains an entry for this variant (Variation ID: 1433299). An algorithm developed to predict the effect of missense changes on protein structure and function (PolyPhen-2) suggests that this variant is likely to be tolerated. In summary, the available evidence is currently insufficient to determine the role of this variant in disease. Therefore, it has been classified as a Variant of Uncertain Significance.